The following is an entry in ClinVar:

NM_000541.5(SAG):c.796G>A (p.Glu266Lys)

Gene: SAG (S-antigen visual arrestin; plus strand). Cytogenetic location: 2q37.1.
Variant type: single nucleotide variant.
Coding change: c.796G>A on transcript NM_000541.5 (MANE Select); coding-DNA position 796, G replaced by A.
Protein change: p.Glu266Lys; replaces glutamic acid 266 with lysine.
Molecular consequence: missense variant.
Genome position (GRCh38, 1-based): chr2:233,331,702, G>A. VCF-style: chr2-233331702-G-A. GRCh37 (hg19) VCF-style: chr2-234240348-G-A.
Other names: short protein forms E266K.
Identifiers: ClinVar variation 2097388 (VCV002097388.4), dbSNP rs2469801649, ClinGen allele CA351048264.
Genomic context (GRCh38, chr2:233,331,702, plus strand): 5'-GAACAGGTGGCCAATGTGGTTCTCTACTCGAGTGATTATTACGTCAAGCCCGTGGCTATG[G>A]AGGAAGCGCAGTGAGTAGCTGTTGGGGTTTCCGTTTCCTGGGCGTCTCAGCCTTCTGTGT-3'
Protein context (NP_000532.2, residues 256-276): SDYYVKPVAM[Glu266Lys]EAQEKVPPNS

ClinVar aggregate classification (germline): Uncertain significance (1 of 4 stars; one submission).

Submission:

Labcorp Genetics (formerly Invitae), Labcorp
Classification: Uncertain significance. Last evaluated: 2022-02-13. Review status: criteria provided, single submitter. Criteria: Invitae Variant Classification Sherloc (09022015). Collection method: clinical testing. Allele origin: germline.
Comment: In summary, the available evidence is currently insufficient to determine the role of this variant in disease. Therefore, it has been classified as a Variant of Uncertain Significance. Algorithms developed to predict the effect of missense changes on protein structure and function are either unavailable or do not agree on the potential impact of this missense change (SIFT: "Tolerated"; PolyPhen-2: "Possibly Damaging"; Align-GVGD: "Class C0"). This variant has not been reported in the literature in individuals affected with SAG-related conditions. This variant is not present in population databases (gnomAD no frequency). This sequence change replaces glutamic acid, which is acidic and polar, with lysine, which is basic and polar, at codon 266 of the SAG protein (p.Glu266Lys).